The following is an entry in ClinVar:

NM_003722.5(TP63):c.1831TCC[1] (p.Ser612del)

Gene: TP63 (tumor protein p63; plus strand). Cytogenetic location: 3q28.
Variant type: Microsatellite.
Coding change: c.1831TCC[1] on transcript NM_003722.5 (MANE Select); one copy of the 3-base unit TCC starting at c.1831; the reference has two copies in a row; one copy, 3 bases deleted; also written c.1834_1836del.
Protein change: p.Ser612del; deletes serine 612.
Molecular consequence: inframe deletion. On other transcripts: 3 prime UTR variant (6).
Genome position (GRCh38, 1-based): chr3:189,894,293-189,894,295, TCC deleted; deleting any 3 consecutive bases within chr3:189,894,289-189,894,295 gives the same sequence; the position shown is the placement nearest the transcript's 3' end. VCF-style (leftmost placement, unchanged base first): chr3-189894288-TCTC-T. GRCh37 (hg19) VCF-style: chr3-189612077-TCTC-T.
Other names: c.*69TCC[1] (NM_001114978.2, NM_001114981.2); c.1549TCC[1], p.Ser518del (NM_001114980.2); c.*59TCC[1] (NM_001329144.2, NM_001329145.2, NM_001329149.2 and 1 more transcripts); c.1294TCC[1], p.Ser433del (NM_001329146.2); c.1819TCC[1], p.Ser608del (NM_001329148.2); c.1825TCC[1], p.Ser610del (NM_001329964.2); c.1834_1836del (NM_003722.5); short protein forms S518del, S610del, S612del, S433del, S608del.
Identifiers: ClinVar variation 1370657 (VCV001370657.11), dbSNP rs1294809942, ClinGen allele CA548798318.
Genomic context (GRCh38, chr3:189,894,288, plus strand): 5'-CTGAGCAATTTCGACATGCGATCTGGAAGGGCATCCTGGACCACCGGCAGCTCCACGAAT[TCTC>T]CTCCCCTTCTCATCTCCTGCGGACCCCAAGCAGTGCCTCTACAGTCAGTGTGGGCTCCAG-3'

ClinVar aggregate classification (germline): Uncertain significance. Review status: criteria provided, multiple submitters, no conflicts (2 of 4 stars). 2 submissions from 2 submitters: Uncertain significance (2). Last evaluated 2024-11-27.

Conditions:
TP63-Related Spectrum Disorders.
Ectrodactyly, ectodermal dysplasia, and cleft lip-palate syndrome 3. Also called: Ectrodactyly, Ectodermal Dysplasia, Clefting Syndrome; Ectrodactyly, Ectodermal Dysplasia, Cleft Lip/Palate Syndrome 3 (EEC3); Ectrodactyly, Ectodermal Dysplasia, Clefting Syndrome Type 3 (EEC3); EEC SYNDROME 3. Identifiers: Orphanet 1896, MedGen C1858562, MONDO:0011428, OMIM 604292.
Orofacial cleft 8. Also called: Cleft lip with or without cleft palate, nonsyndromic, 8. Identifiers: MedGen C1851878, MONDO:0029145, OMIM 618149.
Limb-mammary syndrome (LMS). Also called: Mammary hypoplasia, ectrodactyly, and other hand/foot anomalies. Identifiers: Orphanet 69085, MedGen C1863753, MONDO:0011334, OMIM 603543.
ADULT syndrome. Also called: Acro-Dermo-Ungual-Lacrimal-Tooth Syndrome (ADULT Syndrome); Acro-dermato-ungual-lacrimal-tooth (adult) syndrome; ACRO-DERMATO-UNGUAL-LACRIMAL-TOOTH SYNDROME. Identifiers: Orphanet 978, MedGen C1863204, MONDO:0007072, OMIM 103285.
Rapp-Hodgkin syndrome (RHS). Also called: Isolated Cleft Lip/Cleft Palate (Orofacial Cleft 8); ECTODERMAL DYSPLASIA, ANHIDROTIC, WITH CLEFT LIP/PALATE; Rapp-Hodgkin ectodermal dysplasia syndrome. Identifiers: MedGen C1785148, MONDO:0007508, OMIM 129400.
Split hand-foot malformation 4. Also called: Split-Hand/Foot Malformation Type 4 (SHFM4); Split-Hand/Foot Malformation Type 4 (SHFM4 syndrome). Identifiers: Orphanet 2440, MedGen C1854442, MONDO:0011535, OMIM 605289.
Ankyloblepharon-ectodermal defects-cleft lip/palate syndrome. Also called: Hay-Wells syndrome of ectodermal dysplasia; Ankyloblepharon-Ectodermal Defects-Cleft Lip/Palate Syndrome (AEC Syndrome); AEC SYNDROME; HAY-WELLS SYNDROME; Ankyloblepharon-ectodermal defects, cleft lip/palate. Identifiers: Orphanet 1071, MedGen C0406709, MONDO:0007124, OMIM 106260.

Submissions (2):

Labcorp Genetics (formerly Invitae), Labcorp
Classification: Uncertain significance. Last evaluated: 2024-11-27. Review status: criteria provided, single submitter. Criteria: Invitae Variant Classification Sherloc (09022015). Collection method: clinical testing. Allele origin: germline.
Comment: This variant, c.1834_1836del, results in the deletion of 1 amino acid(s) of the TP63 protein (p.Ser612del), but otherwise preserves the integrity of the reading frame. This variant is present in population databases (no rsID available, gnomAD 0.009%). This variant has not been reported in the literature in individuals affected with TP63-related conditions. Experimental studies and prediction algorithms are not available or were not evaluated, and the functional significance of this variant is currently unknown. In summary, the available evidence is currently insufficient to determine the role of this variant in disease. Therefore, it has been classified as a Variant of Uncertain Significance.

Fulgent Genetics
Classification: Uncertain significance for ADULT syndrome; Ankyloblepharon-ectodermal defects-cleft lip/palate syndrome; Rapp-Hodgkin syndrome; Limb-mammary syndrome; Ectrodactyly, ectodermal dysplasia, and cleft lip-palate syndrome 3; Split hand-foot malformation 4; Orofacial cleft 8. Last evaluated: 2021-07-28. Review status: criteria provided, single submitter. Criteria: ACMG Guidelines, 2015. Collection method: clinical testing. Allele origin: unknown.